The following is an entry in ClinVar:

ClinVar aggregate classification (germline): Uncertain significance. Review status: criteria provided, multiple submitters, no conflicts (2 of 4 stars). 2 submissions from 2 submitters: Uncertain significance (2). Last evaluated 2025-01-07.

Conditions:
Hereditary cancer-predisposing syndrome. Also called: Neoplastic Syndromes, Hereditary; Tumor predisposition; Hereditary Cancer Syndrome; Hereditary neoplastic syndrome. Identifiers: Orphanet 140162, MedGen C0027672, MeSH D009386, MONDO:0015356.
Cardiovascular phenotype. Identifiers: MedGen CN230736.

Submissions (2):

Labcorp Genetics (formerly Invitae), Labcorp
Classification: Uncertain significance. Last evaluated: 2025-01-07. Review status: criteria provided, single submitter. Criteria: Invitae Variant Classification Sherloc (09022015). Collection method: clinical testing. Allele origin: germline.
Comment: This sequence change replaces arginine, which is basic and polar, with serine, which is neutral and polar, at codon 388 of the LZTR1 protein (p.Arg388Ser). This variant is not present in population databases (gnomAD no frequency). This variant has not been reported in the literature in individuals affected with LZTR1-related conditions. ClinVar contains an entry for this variant (Variation ID: 1737877). Invitae Evidence Modeling of protein sequence and biophysical properties (such as structural, functional, and spatial information, amino acid conservation, physicochemical variation, residue mobility, and thermodynamic stability) indicates that this missense variant is not expected to disrupt LZTR1 protein function with a negative predictive value of 80%. In summary, the available evidence is currently insufficient to determine the role of this variant in disease. Therefore, it has been classified as a Variant of Uncertain Significance.

Ambry Genetics
Classification: Uncertain significance for Cardiovascular phenotype; Hereditary cancer-predisposing syndrome. Last evaluated: 2021-09-02. Review status: criteria provided, single submitter. Criteria: Ambry Variant Classification Scheme 2023. Collection method: clinical testing. Allele origin: germline.
Comment: The p.R388S variant (also known as c.1164G>T), located in coding exon 11 of the LZTR1 gene, results from a G to T substitution at nucleotide position 1164. The arginine at codon 388 is replaced by serine, an amino acid with dissimilar properties. This amino acid position is highly conserved in available vertebrate species. In addition, this alteration is predicted to be deleterious by in silico analysis. Since supporting evidence is limited at this time, the clinical significance of this alteration remains unclear.

NM_006767.4(LZTR1):c.1164G>T (p.Arg388Ser)

Gene: LZTR1 (leucine zipper like post translational regulator 1; plus strand). Cytogenetic location: 22q11.21.
Variant type: single nucleotide variant.
Coding change: c.1164G>T on transcript NM_006767.4 (MANE Select); coding-DNA position 1164, G replaced by T.
Protein change: p.Arg388Ser; replaces arginine 388 with serine.
Molecular consequence: missense variant.
Genome position (GRCh38, 1-based): chr22:20,992,808, G>T. VCF-style: chr22-20992808-G-T. GRCh37 (hg19) VCF-style: chr22-21347097-G-T.
Other names: short protein forms R388S.
Identifiers: ClinVar variation 1737877 (VCV001737877.5), dbSNP rs200801199, ClinGen allele CA410773660.